The following is an entry in ClinVar:

NM_001378120.1(MBD5):c.442G>A (p.Val148Ile)

Gene: MBD5 (methyl-CpG binding domain protein 5; plus strand). Cytogenetic location: 2q23.1.
Variant type: single nucleotide variant.
Coding change: c.442G>A on transcript NM_001378120.1 (MANE Select); coding-DNA position 442, G replaced by A.
Protein change: p.Val148Ile; replaces valine 148 with isoleucine.
Molecular consequence: missense variant.
Genome position (GRCh38, 1-based): chr2:148,468,385, G>A. VCF-style: chr2-148468385-G-A. GRCh37 (hg19) VCF-style: chr2-149225954-G-A.
Other names: c.442G>A, p.Val148Ile (NM_018328.5); short protein forms V148I.
Identifiers: ClinVar variation 3631651 (VCV003631651.2).
Genomic context (GRCh38, chr2:148,468,385, plus strand): 5'-TTCTCTTTCACATCAGATGCAACTCCAGTAGTACCTTCTCGGGCAGCAACTCCAAGATCA[G>A]TAAGAAATAAGTCTCATGAAGGAATTACAAATTCTGTAATGCCTGAATGTAAGAATCCTT-3'
Protein context (NP_001365049.1, residues 138-158): VPSRAATPRS[Val148Ile]RNKSHEGITN

ClinVar aggregate classification (germline): Uncertain significance (1 of 4 stars; one submission).

Conditions:
Intellectual developmental disorder, autosomal dominant 1. Also called: MBD5 Haploinsufficiency; Intellectual disability, autosomal dominant 1. Identifiers: Orphanet 228402, MedGen C1969562, MONDO:0007974, OMIM 156200.

gnomAD v4.1: 1 of 1,613,674 alleles (0.000062%); highest among the groups gnomAD compares: Non-Finnish European, 0.000085%; no homozygotes.

Submission:

Labcorp Genetics (formerly Invitae), Labcorp
Classification: Uncertain significance for Intellectual developmental disorder, autosomal dominant 1. Last evaluated: 2024-11-18. Review status: criteria provided, single submitter. Criteria: Invitae Variant Classification Sherloc (09022015). Collection method: clinical testing. Allele origin: germline.
Comment: This sequence change replaces valine, which is neutral and non-polar, with isoleucine, which is neutral and non-polar, at codon 148 of the MBD5 protein (p.Val148Ile). This variant is not present in population databases (gnomAD no frequency). This variant has not been reported in the literature in individuals affected with MBD5-related conditions. Invitae Evidence Modeling of protein sequence and biophysical properties (such as structural, functional, and spatial information, amino acid conservation, physicochemical variation, residue mobility, and thermodynamic stability) indicates that this missense variant is not expected to disrupt MBD5 protein function with a negative predictive value of 80%. In summary, the available evidence is currently insufficient to determine the role of this variant in disease. Therefore, it has been classified as a Variant of Uncertain Significance.